The following is an entry in ClinVar:

NM_017534.6(MYH2):c.3757A>T (p.Lys1253Ter)

Genes: MYH2 (myosin heavy chain 2; minus strand), MYHAS (myosin heavy chain gene cluster antisense RNA; plus strand). Cytogenetic location: 17p13.1.
Variant type: single nucleotide variant.
Coding change: c.3757A>T on transcript NM_017534.6 (MANE Select); coding-DNA position 3757, A replaced by T.
Protein change: p.Lys1253Ter; replaces lysine 1253 with a stop codon.
Molecular consequence: nonsense.
Genome position (GRCh38, 1-based): chr17:10,527,862, T>A on the plus strand (A>T on the coding strand, the complement: MYH2 is on the minus strand). VCF-style: chr17-10527862-T-A. GRCh37 (hg19) VCF-style: chr17-10431179-T-A.
Other names: c.3757A>T, p.Lys1253Ter (NM_001100112.2); short protein forms K1253*.
Identifiers: ClinVar variation 1391790 (VCV001391790.6), dbSNP rs2142297044, ClinGen allele CA398132178.

ClinVar aggregate classification (germline): Pathogenic (1 of 4 stars; one submission).

Conditions:
Myopathy, proximal, and ophthalmoplegia (CMYO6). Also called: CONGENITAL MYOPATHY 6 WITH OPHTHALMOPLEGIA; INCLUSION BODY MYOPATHY 3, AUTOSOMAL DOMINANT; MYOPATHY WITH CONGENITAL JOINT CONTRACTURES, OPHTHALMOPLEGIA, AND RIMMED VACUOLES. Identifiers: Orphanet 363677, Orphanet 79091, MedGen C1854106, MONDO:0011577, OMIM 605637.

Submission:

Labcorp Genetics (formerly Invitae), Labcorp
Classification: Pathogenic for Myopathy, proximal, and ophthalmoplegia. Last evaluated: 2020-11-27. Review status: criteria provided, single submitter. Criteria: Invitae Variant Classification Sherloc (09022015). Collection method: clinical testing. Allele origin: germline.
Comment: For these reasons, this variant has been classified as Pathogenic. Algorithms developed to predict the effect of sequence changes on RNA splicing suggest that this variant may create or strengthen a splice site, but this prediction has not been confirmed by published transcriptional studies. This variant has not been reported in the literature in individuals with MYH2-related conditions. This variant is not present in population databases (ExAC no frequency). This sequence change creates a premature translational stop signal (p.Lys1253*) in the MYH2 gene. It is expected to result in an absent or disrupted protein product. Loss-of-function variants in MYH2 are known to be pathogenic (PMID: 20418530, 23388406, 24193343).

Literature cited by the submitters: PubMed 20418530; PubMed 23388406; PubMed 24193343.